The following is an entry in ClinVar:

ClinVar aggregate classification (germline): Uncertain significance (1 of 4 stars; one submission).

Allele frequency attached by ClinVar (database versions not stated): gnomAD exomes below 0.00001.
gnomAD v4.1: 3 of 1,613,710 alleles (0.00019%); highest among the groups gnomAD compares: South Asian, 0.0022%; no homozygotes.

Submission:

Labcorp Genetics (formerly Invitae), Labcorp
Classification: Uncertain significance. Last evaluated: 2022-06-13. Review status: criteria provided, single submitter. Criteria: Invitae Variant Classification Sherloc (09022015). Collection method: clinical testing. Allele origin: germline.
Comment: This variant is not present in population databases (gnomAD no frequency). This sequence change replaces isoleucine, which is neutral and non-polar, with asparagine, which is neutral and polar, at codon 932 of the PDE2A protein (p.Ile932Asn). This variant has not been reported in the literature in individuals affected with PDE2A-related conditions. Algorithms developed to predict the effect of missense changes on protein structure and function are either unavailable or do not agree on the potential impact of this missense change (SIFT: "Deleterious"; PolyPhen-2: "Benign"; Align-GVGD: "Class C0"). In summary, the available evidence is currently insufficient to determine the role of this variant in disease. Therefore, it has been classified as a Variant of Uncertain Significance.

NM_002599.5(PDE2A):c.2795T>A (p.Ile932Asn)

Gene: PDE2A (phosphodiesterase 2A; minus strand). Cytogenetic location: 11q13.4.
Variant type: single nucleotide variant.
Coding change: c.2795T>A on transcript NM_002599.5 (MANE Select); coding-DNA position 2795, T replaced by A.
Protein change: p.Ile932Asn; replaces isoleucine 932 with asparagine.
Molecular consequence: missense variant.
Genome position (GRCh38, 1-based): chr11:72,577,415, A>T on the plus strand (T>A on the coding strand, the complement: PDE2A is on the minus strand). VCF-style: chr11-72577415-A-T. GRCh37 (hg19) VCF-style: chr11-72288459-A-T.
Other names: c.2774T>A, p.Ile925Asn (NM_001143839.4); c.2768T>A, p.Ile923Asn (NM_001146209.3); c.2732T>A, p.Ile911Asn (NM_001243784.2); short protein forms I911N, I923N, I932N, I925N.
Identifiers: ClinVar variation 2005827 (VCV002005827.4), dbSNP rs1343293491, ClinGen allele CA381745184.
Genomic context (GRCh38, chr11:72,577,415, plus strand): 5'-CCTGGGCAGGGAAGTGTCCCTGGAGGGGATCACTCAGCATCAAGGCTGCAGCAGCCATTG[A>T]TGGGGGCCCTAGTGCCATCCAGATCAGGCACCTCGTACTCCTCATCCAGGAAGTCCAGCG-3'
Protein context (NP_002590.1, residues 922-941): VPDLDGTRAP[Ile932Asn]NGCCSLDAE